The following is an entry in ClinVar:

ClinVar aggregate classification (germline): Uncertain significance (1 of 4 stars; one submission).

Conditions:
Hereditary cancer-predisposing syndrome. Also called: Tumor predisposition; Neoplastic Syndromes, Hereditary; Hereditary Cancer Syndrome; Hereditary neoplastic syndrome. Identifiers: Orphanet 140162, MedGen C0027672, MeSH D009386, MONDO:0015356.

Allele frequency attached by ClinVar (database versions not stated): gnomAD exomes below 0.00001; ExAC 0.00001; TOPMed 0.00001.
gnomAD v4.1: 2 of 1,614,174 alleles (0.00012%); highest among the groups gnomAD compares: East Asian, 0.0022%; no homozygotes.

Submission:

Ambry Genetics
Classification: Uncertain significance for Hereditary cancer-predisposing syndrome. Last evaluated: 2021-10-31. Review status: criteria provided, single submitter. Criteria: Ambry Variant Classification Scheme 2023. Collection method: clinical testing. Allele origin: germline.
Comment: The p.E1030K variant (also known as c.3088G>A), located in coding exon 21 of the PDGFRA gene, results from a G to A substitution at nucleotide position 3088. The glutamic acid at codon 1030 is replaced by lysine, an amino acid with similar properties. This amino acid position is conserved. In addition, this alteration is predicted to be tolerated by in silico analysis. Since supporting evidence is limited at this time, the clinical significance of this alteration remains unclear.

NM_006206.6(PDGFRA):c.3088G>A (p.Glu1030Lys)

Gene: PDGFRA (platelet derived growth factor receptor alpha; plus strand). Cytogenetic location: 4q12.
Variant type: single nucleotide variant.
Coding change: c.3088G>A on transcript NM_006206.6 (MANE Select); coding-DNA position 3088, G replaced by A.
Protein change: p.Glu1030Lys; replaces glutamic acid 1030 with lysine.
Molecular consequence: missense variant.
Genome position (GRCh38, 1-based): chr4:54,290,520, G>A. VCF-style: chr4-54290520-G-A. GRCh37 (hg19) VCF-style: chr4-55156687-G-A.
Other names: c.3163G>A, p.Glu1055Lys (NM_001347828.2); c.3088G>A, p.Glu1030Lys (NM_001347829.2); c.3127G>A, p.Glu1043Lys (NM_001347830.2); short protein forms E1055K, E1043K, E1030K.
Identifiers: ClinVar variation 1727415 (VCV001727415.2), dbSNP rs752966371, ClinGen allele CA2923025.
Genomic context (GRCh38, chr4:54,290,520, plus strand): 5'-CAGAGACTGAGCGCTGACAGTGGCTACATCATTCCTCTGCCTGACATTGACCCTGTCCCT[G>A]AGGAGGAGGACCTGGGCAAGAGGAACAGACACAGGTAGCTGTGGGGGCAGCCTCGGTGTC-3'
Protein context (NP_006197.1, residues 1020-1040): IPLPDIDPVP[Glu1030Lys]EEDLGKRNRH